The following is an entry in ClinVar:

ClinVar aggregate classification (germline): Uncertain significance (1 of 4 stars; one submission).

Conditions:
Hereditary cancer-predisposing syndrome. Also called: Neoplastic Syndromes, Hereditary; Tumor predisposition; Hereditary neoplastic syndrome; Hereditary Cancer Syndrome. Identifiers: Orphanet 140162, MedGen C0027672, MeSH D009386, MONDO:0015356.

Submission:

Ambry Genetics
Classification: Uncertain significance for Hereditary cancer-predisposing syndrome. Last evaluated: 2026-06-20. Review status: criteria provided, single submitter. Criteria: Ambry Variant Classification Scheme 2023. Collection method: clinical testing. Allele origin: germline.
Comment: The p.L1438Q variant (also known as c.4313T>A), located in coding exon 34 of the POLE gene, results from a T to A substitution at nucleotide position 4313. The leucine at codon 1438 is replaced by glutamine, an amino acid with dissimilar properties. This amino acid position is conserved. In addition, the in silico prediction for this alteration is inconclusive. Based on the available evidence, the clinical significance of this variant remains unclear.

NM_006231.4(POLE):c.4313T>A (p.Leu1438Gln)

Gene: POLE (DNA polymerase epsilon, catalytic subunit; minus strand). Cytogenetic location: 12q24.33.
Variant type: single nucleotide variant.
Coding change: c.4313T>A on transcript NM_006231.4 (MANE Select); coding-DNA position 4313, T replaced by A.
Protein change: p.Leu1438Gln; replaces leucine 1438 with glutamine.
Molecular consequence: missense variant.
Genome position (GRCh38, 1-based): chr12:132,643,538, A>T on the plus strand (T>A on the coding strand, the complement: POLE is on the minus strand). VCF-style: chr12-132643538-A-T. GRCh37 (hg19) VCF-style: chr12-133220124-A-T.
Other names: short protein forms L1438Q.
Identifiers: ClinVar variation 5027047 (VCV005027047.1).